The following is an entry in ClinVar:

NM_004183.4(BEST1):c.215A>G (p.Tyr72Cys)

Gene: BEST1 (bestrophin 1; plus strand). Cytogenetic location: 11q12.3.
Variant type: single nucleotide variant.
Coding change: c.215A>G on transcript NM_004183.4 (MANE Select); coding-DNA position 215, A replaced by G.
Protein change: p.Tyr72Cys; replaces tyrosine 72 with cysteine.
Molecular consequence: missense variant. On other transcripts: non-coding transcript variant (1).
Genome position (GRCh38, 1-based): chr11:61,955,169, A>G. VCF-style: chr11-61955169-A-G. GRCh37 (hg19) VCF-style: chr11-61722641-A-G.
Other names: c.35A>G, p.Tyr12Cys (NM_001139443.3, NM_001300786.2, NM_001300787.2); c.215A>G, p.Tyr72Cys (NM_001363592.2); short protein forms Y72C, Y12C.
Identifiers: ClinVar variation 1424146 (VCV001424146.6), dbSNP rs2134425715, ClinGen allele CA380833732.

ClinVar aggregate classification (germline): Uncertain significance (1 of 4 stars; one submission).

Submission:

Labcorp Genetics (formerly Invitae), Labcorp
Classification: Uncertain significance. Last evaluated: 2025-03-17. Review status: criteria provided, single submitter. Criteria: Invitae Variant Classification Sherloc (09022015). Collection method: clinical testing. Allele origin: germline.
Comment: This sequence change replaces tyrosine, which is neutral and polar, with cysteine, which is neutral and slightly polar, at codon 72 of the BEST1 protein (p.Tyr72Cys). This variant is not present in population databases (gnomAD no frequency). This variant has not been reported in the literature in individuals affected with BEST1-related conditions. ClinVar contains an entry for this variant (Variation ID: 1424146). Invitae Evidence Modeling of protein sequence and biophysical properties (such as structural, functional, and spatial information, amino acid conservation, physicochemical variation, residue mobility, and thermodynamic stability) indicates that this missense variant is expected to disrupt BEST1 protein function with a positive predictive value of 95%. This variant disrupts the p.Tyr72 amino acid residue in BEST1. Other variant(s) that disrupt this residue have been observed in individuals with BEST1-related conditions (PMID: 21273940, 33608557), which suggests that this may be a clinically significant amino acid residue. In summary, the available evidence is currently insufficient to determine the role of this variant in disease. Therefore, it has been classified as a Variant of Uncertain Significance.

Literature cited by the submitters: PubMed 21273940; PubMed 33608557.